The following is an entry in ClinVar:

ClinVar aggregate classification (germline): Uncertain significance (1 of 4 stars; one submission).

Submission:

Labcorp Genetics (formerly Invitae), Labcorp
Classification: Uncertain significance. Last evaluated: 2023-11-29. Review status: criteria provided, single submitter. Criteria: Invitae Variant Classification Sherloc (09022015). Collection method: clinical testing. Allele origin: germline.
Comment: This sequence change replaces serine, which is neutral and polar, with asparagine, which is neutral and polar, at codon 349 of the DSCAML1 protein (p.Ser349Asn). This variant is not present in population databases (gnomAD no frequency). This variant has not been reported in the literature in individuals affected with DSCAML1-related conditions. An algorithm developed to predict the effect of missense changes on protein structure and function (PolyPhen-2) suggests that this variant is likely to be disruptive. In summary, the available evidence is currently insufficient to determine the role of this variant in disease. Therefore, it has been classified as a Variant of Uncertain Significance.

NM_020693.4(DSCAML1):c.866G>A (p.Ser289Asn)

Gene: DSCAML1 (DS cell adhesion molecule like 1; minus strand). Cytogenetic location: 11q23.3.
Variant type: single nucleotide variant.
Coding change: c.866G>A on transcript NM_020693.4 (MANE Select); coding-DNA position 866, G replaced by A.
Protein change: p.Ser289Asn; replaces serine 289 with asparagine.
Molecular consequence: missense variant.
Genome position (GRCh38, 1-based): chr11:117,524,876, C>T on the plus strand (G>A on the coding strand, the complement: DSCAML1 is on the minus strand). VCF-style: chr11-117524876-C-T. GRCh37 (hg19) VCF-style: chr11-117395591-C-T.
Other names: c.866G>A, p.Ser289Asn (NM_001367904.1); c.458G>A, p.Ser153Asn (NM_001367905.1); short protein forms S289N, S153N.
Identifiers: ClinVar variation 2699733 (VCV002699733.3), dbSNP rs2543280126, ClinGen allele CA382749301.